The following is an entry in ClinVar:

NM_032043.3(BRIP1):c.2002G>T (p.Glu668Ter)

Gene: BRIP1 (BRCA1 interacting DNA helicase 1; minus strand). Cytogenetic location: 17q23.2.
Variant type: single nucleotide variant.
Coding change: c.2002G>T on transcript NM_032043.3 (MANE Select); coding-DNA position 2002, G replaced by T.
Protein change: p.Glu668Ter; replaces glutamic acid 668 with a stop codon.
Molecular consequence: nonsense.
Genome position (GRCh38, 1-based): chr17:61,776,496, C>A on the plus strand (G>T on the coding strand, the complement: BRIP1 is on the minus strand). VCF-style: chr17-61776496-C-A. GRCh37 (hg19) VCF-style: chr17-59853857-C-A.
Other names: short protein forms E668*.
Identifiers: ClinVar variation 1452216 (VCV001452216.7), dbSNP rs2145031089, ClinGen allele CA400478387.

ClinVar aggregate classification (germline): Pathogenic (1 of 4 stars; one submission).

Conditions:
Familial cancer of breast. Also called: BREAST CANCER, FAMILIAL; Hereditary breast cancer; hereditary breast carcinoma. Identifiers: Orphanet 227535, MedGen C0346153, MONDO:0016419, OMIM 114480. Disease mechanism: loss of function.
Fanconi anemia complementation group J. Also called: BRIP1-Related Fanconi Anemia. Identifiers: Orphanet 84, MedGen C1836860, MONDO:0012187, OMIM 609054.

Submission:

Labcorp Genetics (formerly Invitae), Labcorp
Classification: Pathogenic for Familial cancer of breast; Fanconi anemia complementation group J. Last evaluated: 2021-08-24. Review status: criteria provided, single submitter. Criteria: Invitae Variant Classification Sherloc (09022015). Collection method: clinical testing. Allele origin: germline.
Comment: For these reasons, this variant has been classified as Pathogenic. This variant has not been reported in the literature in individuals affected with BRIP1-related conditions. This variant is not present in population databases (ExAC no frequency). This sequence change creates a premature translational stop signal (p.Glu668*) in the BRIP1 gene. It is expected to result in an absent or disrupted protein product. Loss-of-function variants in BRIP1 are known to be pathogenic (PMID: 16116423, 17033622, 21964575).

Literature cited by the submitters: PubMed 16116423; PubMed 17033622; PubMed 21964575.